The following is an entry in ClinVar:

ClinVar aggregate classification (germline): Conflicting classifications of pathogenicity. Review status: criteria provided, conflicting classifications (1 of 4 stars). 5 submissions from 5 submitters: Uncertain significance (1); Benign (1); Likely benign (3). Last evaluated 2025-08-07.

Conditions:
Hereditary cancer-predisposing syndrome. Also called: Tumor predisposition; Neoplastic Syndromes, Hereditary; Hereditary Cancer Syndrome; Hereditary neoplastic syndrome. Identifiers: Orphanet 140162, MedGen C0027672, MeSH D009386, MONDO:0015356.
Tuberous sclerosis 2 (TSC2). Identifiers: Orphanet 805, MedGen C1860707, MONDO:0013199, OMIM 613254.

Allele frequency attached by ClinVar (database versions not stated): gnomAD exomes 0.00001 and 0.00002; ExAC 0.00002; TOPMed 0.00002.
gnomAD v4.1: 8 of 1,612,926 alleles (0.0005%); highest among the groups gnomAD compares: East Asian, 0.0022%; no homozygotes.

Submissions (5):

Labcorp Genetics (formerly Invitae), Labcorp
Classification: Benign for Tuberous sclerosis 2. Last evaluated: 2025-08-07. Review status: criteria provided, single submitter. Criteria: Invitae Variant Classification Sherloc (09022015). Collection method: clinical testing. Allele origin: germline.

ARUP Laboratories, Molecular Genetics and Genomics, ARUP Laboratories
Classification: Uncertain significance. Last evaluated: 2023-10-10. Review status: criteria provided, single submitter. Criteria: ARUP Molecular Germline Variant Investigation Process 2024. Collection method: clinical testing. Allele origin: germline.
Comment: The TSC2 c.5311C>G; p.Pro1771Ala variant (rs777006583), to our knowledge, is not reported in the medical literature but is reported in ClinVar (Variation ID: 486616). This variant is found in the general population with an overall allele frequency of 0.0016% (4/250168 alleles) in the Genome Aggregation Database. Computational analyses are uncertain whether this variant is neutral or deleterious (REVEL: 0.526). Due to limited information, the clinical significance of this variant is uncertain at this time.

Ambry Genetics
Classification: Likely benign for Hereditary cancer-predisposing syndrome. Last evaluated: 2023-05-16. Review status: criteria provided, single submitter. Criteria: Ambry Variant Classification Scheme 2023. Collection method: clinical testing. Allele origin: germline.

Genome-Nilou Lab
Classification: Likely benign for Tuberous sclerosis 2. Last evaluated: 2021-11-07. Review status: criteria provided, single submitter. Criteria: ACMG Guidelines, 2015. Collection method: clinical testing. Allele origin: germline. Affected: no.

GeneDx
Classification: Likely benign. Last evaluated: 2018-02-02. Review status: criteria provided, single submitter. Criteria: GeneDx Variant Classification (06012015). Collection method: clinical testing. Allele origin: germline. Affected: yes.
Comment: This variant is considered likely benign or benign based on one or more of the following criteria: it is a conservative change, it occurs at a poorly conserved position in the protein, it is predicted to be benign by multiple in silico algorithms, and/or has population frequency not consistent with disease.

NM_000548.5(TSC2):c.5311C>G (p.Pro1771Ala)

Gene: TSC2 (TSC complex subunit 2; plus strand). Cytogenetic location: 16p13.3.
Variant type: single nucleotide variant.
Coding change: c.5311C>G on transcript NM_000548.5 (MANE Select); coding-DNA position 5311, C replaced by G.
Protein change: p.Pro1771Ala; replaces proline 1771 with alanine.
Molecular consequence: missense variant.
Genome position (GRCh38, 1-based): chr16:2,088,497, C>G. VCF-style: chr16-2088497-C-G. GRCh37 (hg19) VCF-style: chr16-2138498-C-G.
Other names: c.5110C>G, p.Pro1704Ala (NM_001077183.3); c.5242C>G, p.Pro1748Ala (NM_001114382.3); c.5002C>G, p.Pro1668Ala (NM_001318827.2); c.4966C>G, p.Pro1656Ala (NM_001318829.2); c.4579C>G, p.Pro1527Ala (NM_001318831.2); c.5143C>G, p.Pro1715Ala (NM_001318832.2); c.5113C>G, p.Pro1705Ala (NM_001363528.2); c.5179C>G, p.Pro1727Ala (NM_001370404.1); and 2 more; short protein forms P1771A, P1656A, P1527A, P1668A, P1704A, P1715A, P1748A, P1727A.
Identifiers: ClinVar variation 486616 (VCV000486616.18), dbSNP rs777006583, ClinGen allele CA055040.